The following is an entry in ClinVar:

ClinVar aggregate classification (germline): Uncertain significance (1 of 4 stars; one submission).

Conditions:
Familial focal epilepsy with variable foci (FPEVF). Identifiers: Orphanet 98820, MedGen C1858477, MONDO:0020310.

Submission:

Labcorp Genetics (formerly Invitae), Labcorp
Classification: Uncertain significance for Familial focal epilepsy with variable foci. Last evaluated: 2022-07-27. Review status: criteria provided, single submitter. Criteria: Invitae Variant Classification Sherloc (09022015). Collection method: clinical testing. Allele origin: germline.
Comment: This sequence change results in a frameshift in the DEPDC5 gene (p.Asp1584Leufs*49). While this is not anticipated to result in nonsense mediated decay, it is expected to disrupt the last 20 amino acid(s) of the DEPDC5 protein and extend the protein by 28 additional amino acid residues. This variant is not present in population databases (gnomAD no frequency). This variant has not been reported in the literature in individuals affected with DEPDC5-related conditions. Experimental studies and prediction algorithms are not available or were not evaluated, and the functional significance of this variant is currently unknown. In summary, the available evidence is currently insufficient to determine the role of this variant in disease. Therefore, it has been classified as a Variant of Uncertain Significance.

NM_001242896.3(DEPDC5):c.4749_4750insTT (p.Asp1584fs)

Gene: DEPDC5 (DEP domain containing 5, GATOR1 subcomplex subunit; plus strand). Cytogenetic location: 22q12.3.
Variant type: Insertion.
Coding change: c.4749_4750insTT on transcript NM_001242896.3 (MANE Select); coding-DNA positions 4749 to 4750, TT inserted.
Protein change: p.Asp1584fs; shifts the reading frame from aspartic acid 1584.
Molecular consequence: frameshift variant. On other transcripts: non-coding transcript variant (5).
Genome position: GRCh38 VCF-style: chr22-31906433-G-GTT. GRCh37 (hg19) VCF-style: chr22-32302419-G-GTT.
Other names: c.4722_4723insTT, p.Asp1575fs (NM_001136029.4); c.4449_4450insTT, p.Asp1484fs (NM_001242897.2); c.4683_4684insTT, p.Asp1562fs (NM_001363852.2, NM_001364320.2); c.4515_4516insTT, p.Asp1506fs (NM_001363854.2, NM_001364319.2); c.4749_4750insTT, p.Asp1584fs (NM_001364318.2); c.4665_4666insTT, p.Asp1556fs (NM_001369901.1, NM_001369902.1); c.4656_4657insTT, p.Asp1553fs (NM_001369903.1, NM_014662.6); short protein forms D1506fs, D1584fs, D1553fs, D1484fs, D1556fs, D1562fs, D1575fs.
Identifiers: ClinVar variation 2017303 (VCV002017303.4), dbSNP rs2523603182, ClinGen allele CA2580099668.